The following is an entry in ClinVar:

ClinVar aggregate classification (germline): Likely benign (1 of 4 stars; one submission).

Conditions:
Familial cancer of breast. Also called: hereditary breast carcinoma; Hereditary breast cancer; BREAST CANCER, FAMILIAL. Identifiers: Orphanet 227535, MedGen C0346153, MONDO:0016419, OMIM 114480. Disease mechanism: loss of function.

Submission:

Myriad Genetics, Inc.
Classification: Likely benign for Familial cancer of breast. Last evaluated: 2024-08-22. Review status: criteria provided, single submitter. Criteria: Myriad Autosomal Dominant, Autosomal Recessive and X-Linked Classification Criteria (2023). Collection method: clinical testing. Allele origin: unknown.
Comment: This variant is considered likely benign. This variant is intronic and is not expected to impact mRNA splicing.

NM_032043.3(BRIP1):c.918+10G>C

Gene: BRIP1 (BRCA1 interacting DNA helicase 1; minus strand). Cytogenetic location: 17q23.2.
Variant type: single nucleotide variant.
Coding change: c.918+10G>C on transcript NM_032043.3 (MANE Select); 10 bases into the intron after coding-DNA position 918, G replaced by C.
Molecular consequence: intron variant.
Genome position (GRCh38, 1-based): chr17:61,808,457, C>G on the plus strand (G>C on the coding strand, the complement: BRIP1 is on the minus strand). VCF-style: chr17-61808457-C-G. GRCh37 (hg19) VCF-style: chr17-59885818-C-G.
Identifiers: ClinVar variation 3378910 (VCV003378910.1).
Genomic context (GRCh38, chr17:61,808,457, plus strand): 5'-AAAACACATACTGAGTAATTTAAATATTTTCAGCCTTATTTTTTCTCTAACACAAAATAA[C>G]TTTACTCACGTTTTTCCCATCTAGCAATTCCATGCACTTCTCATTTCTGTTGAAGTTACC-3'